The following is an entry in ClinVar:

NM_000135.4(FANCA):c.2348G>T (p.Gly783Val)

Gene: FANCA (FA complementation group A; minus strand). Cytogenetic location: 16q24.3.
Variant type: single nucleotide variant.
Coding change: c.2348G>T on transcript NM_000135.4 (MANE Select); coding-DNA position 2348, G replaced by T.
Protein change: p.Gly783Val; replaces glycine 783 with valine.
Molecular consequence: missense variant.
Genome position (GRCh38, 1-based): chr16:89,769,993, C>A on the plus strand (G>T on the coding strand, the complement: FANCA is on the minus strand). VCF-style: chr16-89769993-C-A. GRCh37 (hg19) VCF-style: chr16-89836401-C-A.
Other names: c.2348G>T (NM_000135.3); c.2348G>T, p.Gly783Val (NM_001286167.3); short protein forms G783V.
Identifiers: ClinVar variation 974033 (VCV000974033.3), dbSNP rs935069258, ClinGen allele CA286564577.

ClinVar aggregate classification (germline): Uncertain significance. Review status: criteria provided, multiple submitters, no conflicts (2 of 4 stars). 3 submissions from 3 submitters: Uncertain significance (2). 1 of the submissions does not count toward it. Last evaluated 2025-08-19.

Conditions:
Fanconi anemia complementation group A (FANCA). Also called: FANCA-Related Fanconi Anemia; Fanconi anemia, group A. Identifiers: Orphanet 84, MedGen C3469521, MONDO:0009215, OMIM 227650.

Allele frequency attached by ClinVar (database versions not stated): gnomAD exomes below 0.00001; gnomAD 0.00001; TOPMed 0.00001.
gnomAD v4.1: 3 of 1,613,748 alleles (0.00019%); highest among the groups gnomAD compares: African/African-American, 0.0013%; no homozygotes.

Submissions (3):

Myriad Genetics, Inc.
Classification: Uncertain significance for Fanconi anemia complementation group A. Last evaluated: 2025-08-19. Review status: criteria provided, single submitter. Criteria: Myriad Autosomal Dominant, Autosomal Recessive and X-Linked Classification Criteria (2023). Collection method: clinical testing. Allele origin: unknown.
Comment: NM_000135.2(FANCA):c.2348G>T(G783V) is a missense variant classified as a variant of uncertain significance in the context of Fanconi anemia complementation group A. G783V has been observed in a case with relevant disease (PMID: 36450981). Relevant functional assessments of this variant are not available in the literature. G783V has not been observed in referenced population frequency databases. In summary, there is insufficient evidence to classify NM_000135.2(FANCA):c.2348G>T(G783V) as pathogenic or benign. Please note: this variant was assessed in the context of healthy population screening.

Quest Diagnostics Nichols Institute San Juan Capistrano
Classification: Uncertain significance. Last evaluated: 2024-01-12. Review status: criteria provided, single submitter. Criteria: Quest Diagnostics criteria. Collection method: clinical testing. Allele origin: unknown.
Comment: The FANCA c.2348G>T (p.Gly783Val) variant has not been reported in individuals with FANCA-related conditions in the published literature. The frequency of this variant in the general population, 0.000032 (1/31398 chromosomes (Genome Aggregation Database)), is uninformative in the assessment of its pathogenicity. Analysis of this variant using bioinformatics tools for the prediction of the effect of amino acid changes on protein structure and function yielded predictions that this variant is damaging. Based on the available information, we are unable to determine the clinical significance of this variant.

Leiden Open Variation Database
Classification: Pathogenic for Fanconi anemia complementation group A. Last evaluated: 2020-02-28. Review status: no assertion criteria provided. Collection method: curation. Allele origin: germline. Affected: yes. Not counted in ClinVar's aggregate classification.
Comment: Curator: Arleen D. Auerbach. Submitter to LOVD: Arleen D. Auerbach.

Literature cited by the submitters: PubMed 36450981 (cited by Myriad Genetics, Inc.); PubMed 15643609 (cited by Quest Diagnostics Nichols Institute San Juan Capistrano).